The following is an entry in ClinVar:

ClinVar aggregate classification (germline): Conflicting classifications of pathogenicity. Review status: criteria provided, conflicting classifications (1 of 4 stars). 8 submissions from 8 submitters: Uncertain significance (5); Likely benign (3). Last evaluated 2026-02-01.

Conditions:
BAP1-related tumor predisposition syndrome (TPDS1). Also called: BAP1 tumor predisposition syndrome; Tumor susceptibility linked to germline BAP1 mutations; TUMOR PREDISPOSITION SYNDROME 1; COMMON Syndrome. Identifiers: Orphanet 289539, MedGen C3280492, MONDO:0013692, OMIM 614327.
Hereditary cancer-predisposing syndrome. Also called: Neoplastic Syndromes, Hereditary; Tumor predisposition; Hereditary Cancer Syndrome; Hereditary neoplastic syndrome. Identifiers: Orphanet 140162, MedGen C0027672, MeSH D009386, MONDO:0015356.

Allele frequency attached by ClinVar (database versions not stated): ExAC 0.00003; gnomAD 0.00004 and 0.00005; gnomAD exomes 0.00005 and 0.00016; TOPMed 0.00005.
gnomAD v4.1: 233 of 1,614,096 alleles (0.014%); highest among the groups gnomAD compares: Non-Finnish European, 0.019%; no homozygotes.

Submissions (8):

Labcorp Genetics (formerly Invitae), Labcorp
Classification: Uncertain significance for BAP1-related tumor predisposition syndrome. Last evaluated: 2026-02-01. Review status: criteria provided, single submitter. Criteria: Invitae Variant Classification Sherloc (09022015). Collection method: clinical testing. Allele origin: germline.
Comment: This sequence change replaces glutamic acid, which is acidic and polar, with lysine, which is basic and polar, at codon 406 of the BAP1 protein (p.Glu406Lys). This variant is present in population databases (rs748928044, gnomAD 0.01%). This missense change has been observed in individual(s) with uveal melanoma (PMID: 25974357). ClinVar contains an entry for this variant (Variation ID: 412432). Invitae Evidence Modeling of protein sequence and biophysical properties (such as structural, functional, and spatial information, amino acid conservation, physicochemical variation, residue mobility, and thermodynamic stability) indicates that this missense variant is not expected to disrupt BAP1 protein function with a negative predictive value of 80%. In summary, the available evidence is currently insufficient to determine the role of this variant in disease. Therefore, it has been classified as a Variant of Uncertain Significance.

GeneDx
Classification: Uncertain significance. Last evaluated: 2025-05-12. Review status: criteria provided, single submitter. Criteria: GeneDx Variant Classification Process June 2021. Collection method: clinical testing. Allele origin: germline. Affected: yes.
Comment: In silico analysis suggests that this missense variant does not alter protein structure/function; Published functional studies suggest no damaging effect: performed similarly to wild type in a deubiquitination assay (PMID: 28062663); Observed in an individual with uveal melanoma (PMID: 25974357); This variant is associated with the following publications: (PMID: 28873162, 29641532, 25974357, 28062663)

Color Diagnostics, LLC DBA Color Health
Classification: Likely benign for Hereditary cancer-predisposing syndrome. Last evaluated: 2024-10-29. Review status: criteria provided, single submitter. Criteria: ACMG Guidelines, 2015. Collection method: clinical testing. Allele origin: germline.

Myriad Genetics, Inc.
Classification: Likely benign for BAP1-related tumor predisposition syndrome. Last evaluated: 2024-07-15. Review status: criteria provided, single submitter. Criteria: Myriad Autosomal Dominant, Autosomal Recessive and X-Linked Classification Criteria (2023). Collection method: clinical testing. Allele origin: unknown.
Comment: This variant is considered likely benign. This variant has been observed at a population frequency that is significantly greater than expected given the associated disease prevalence and penetrance.

Quest Diagnostics Nichols Institute San Juan Capistrano
Classification: Uncertain significance. Last evaluated: 2022-11-03. Review status: criteria provided, single submitter. Criteria: Quest Diagnostics criteria. Collection method: clinical testing. Allele origin: unknown.
Comment: The frequency of this variant in the general population, 0.000095 (12/126656 chromosomes), is uninformative in assessment of its pathogenicity. In the published literature, the variant has been reported in individual with melanoma (PMID: 25974357 (2015)), as well as in an unaffected individual (PMID: 28062663 (2017)). Analysis of this variant using bioinformatics tools for the prediction of the effect of amino acid changes on protein structure and function yielded conflicting predictions that this variant is deleterious or benign. Based on the available information, we are unable to determine the clinical significance of this variant.

St. Jude Molecular Pathology, St. Jude Children's Research Hospital
Classification: Uncertain significance for BAP1-related tumor predisposition syndrome. Last evaluated: 2022-10-13. Review status: criteria provided, single submitter. Criteria: St. Jude Assertion Criteria 2020. Collection method: clinical testing. Allele origin: germline.
Comment: The BAP1 c.1216G>A (p.Glu406Lys) missense change has a maximum subpopulation frequency of 0.0095% in gnomAD v2.1.1. The in silico tool REVEL predicts a benign effect on protein function, but to our knowledge this prediction has not been confirmed by functional studies. This variant has been reported in at least one individual with uveal melanoma (PMID: 25974357). In summary, the evidence currently available is insufficient to determine the clinical significance of this variant. It has therefore been classified as of uncertain significance.

Mayo Clinic Laboratories, Mayo Clinic
Classification: Uncertain significance. Last evaluated: 2022-08-05. Review status: criteria provided, single submitter. Criteria: ACMG Guidelines, 2015. Collection method: clinical testing. Allele origin: germline. Observed: 3 variant alleles.
Comment: BP4

Ambry Genetics
Classification: Likely benign for Hereditary cancer-predisposing syndrome. Last evaluated: 2022-01-28. Review status: criteria provided, single submitter. Criteria: Ambry Variant Classification Scheme 2023. Collection method: clinical testing. Allele origin: germline.

Literature cited by the submitters: PubMed 25974357 (cited by 3 submitters); PubMed 28062663 (cited by Quest Diagnostics Nichols Institute San Juan Capistrano and Ambry Genetics); PubMed 29641532 (cited by Ambry Genetics).

NM_004656.4(BAP1):c.1216G>A (p.Glu406Lys)

Gene: BAP1 (BRCA1 associated deubiquitinase 1; minus strand). Cytogenetic location: 3p21.1.
Variant type: single nucleotide variant.
Coding change: c.1216G>A on transcript NM_004656.4 (MANE Select); coding-DNA position 1216, G replaced by A.
Protein change: p.Glu406Lys; replaces glutamic acid 406 with lysine.
Molecular consequence: missense variant.
Genome position (GRCh38, 1-based): chr3:52,404,487, C>T on the plus strand (G>A on the coding strand, the complement: BAP1 is on the minus strand). VCF-style: chr3-52404487-C-T. GRCh37 (hg19) VCF-style: chr3-52438503-C-T.
Other names: p.Glu406Lys; c.1216G>A (LRG_529t1); short protein forms E406K.
Identifiers: ClinVar variation 412432 (VCV000412432.29), dbSNP rs748928044, ClinGen allele CA2436873.